The following is an entry in ClinVar:

ClinVar aggregate classification (germline): Pathogenic. Review status: criteria provided, multiple submitters, no conflicts (2 of 4 stars). 2 submissions from 2 submitters: Pathogenic (2). Last evaluated 2024-04-11.

Conditions:
Becker muscular dystrophy (BMD). Also called: MUSCULAR DYSTROPHY, PSEUDOHYPERTROPHIC PROGRESSIVE, BECKER TYPE; Becker Muscular Dystrophy (BMD). Identifiers: Orphanet 98895, MedGen C0917713, MONDO:0010311, OMIM 300376.
Duchenne muscular dystrophy (DMD). Also called: Duchenne Muscular Dystrophy (DMD); MUSCULAR DYSTROPHY, PSEUDOHYPERTROPHIC PROGRESSIVE, DUCHENNE TYPE. Identifiers: Orphanet 98896, MedGen C0013264, MONDO:0010679, OMIM 310200.

Submissions (2):

Labcorp Genetics (formerly Invitae), Labcorp
Classification: Pathogenic for Duchenne muscular dystrophy. Last evaluated: 2024-04-11. Review status: criteria provided, single submitter. Criteria: Invitae Variant Classification Sherloc (09022015). Collection method: clinical testing. Allele origin: germline.
Comment: This sequence change creates a premature translational stop signal (p.Ile245Glnfs*3) in the DMD gene. It is expected to result in an absent or disrupted protein product. Loss-of-function variants in DMD are known to be pathogenic (PMID: 16770791, 25007885). This variant is not present in population databases (gnomAD no frequency). This variant has not been reported in the literature in individuals affected with DMD-related conditions. ClinVar contains an entry for this variant (Variation ID: 1685748). For these reasons, this variant has been classified as Pathogenic.

Mendelics
Classification: Pathogenic for Becker muscular dystrophy. Last evaluated: 2022-05-04. Review status: criteria provided, single submitter. Criteria: Mendelics Assertion Criteria 2019. Collection method: clinical testing. Allele origin: germline.

Literature cited by the submitters: PubMed 16770791 (cited by Labcorp Genetics (formerly Invitae), Labcorp); PubMed 25007885 (cited by Labcorp Genetics (formerly Invitae), Labcorp).

NM_004006.3(DMD):c.732_733insCAAT (p.Ile245fs)

Gene: DMD (dystrophin; minus strand). Cytogenetic location: Xp21.1.
Variant type: Insertion.
Coding change: c.732_733insCAAT on transcript NM_004006.3 (MANE Select); coding-DNA positions 732 to 733, CAAT inserted.
Protein change: p.Ile245fs; shifts the reading frame from isoleucine 245.
Molecular consequence: frameshift variant.
Genome position: GRCh38 VCF-style: chrX-32699210-T-TATTG. GRCh37 (hg19) VCF-style: chrX-32717327-T-TATTG.
Other names: c.708_709insCAAT, p.Ile237fs (NM_000109.4); c.720_721insCAAT, p.Ile241fs (NM_004009.3); c.363_364insCAAT, p.Ile122fs (NM_004010.3); short protein forms I122fs, I237fs, I241fs, I245fs.
Identifiers: ClinVar variation 1685748 (VCV001685748.3), dbSNP rs2147605245, ClinGen allele CA2573158588.